The following is an entry in ClinVar:

ClinVar aggregate classification (germline): Likely benign. Review status: criteria provided, single submitter (1 of 4 stars). 2 submissions from 2 submitters: Likely benign (1). 1 of the submissions does not count toward it. Last evaluated 2022-08-16.

Conditions:
BCOR-related disorder. Also called: BCOR-related disorders; BCOR-related condition.
Oculofaciocardiodental syndrome (MCOPS2). Identifiers: Orphanet 2712, MedGen C1846265, MONDO:0010261, OMIM 300166.

Allele frequency attached by ClinVar (database versions not stated): gnomAD 0.00001; gnomAD exomes 0.00001 and 0.00004.
gnomAD v4.1: 43 of 1,211,255 alleles (0.0036%); highest among the groups gnomAD compares: East Asian, 0.018%; no homozygotes.

Submissions (2):

Labcorp Genetics (formerly Invitae), Labcorp
Classification: Likely benign for Oculofaciocardiodental syndrome. Last evaluated: 2022-08-16. Review status: criteria provided, single submitter. Criteria: Invitae Variant Classification Sherloc (09022015). Collection method: clinical testing. Allele origin: germline.

PreventionGenetics, part of Exact Sciences
Classification: Likely benign for BCOR-related condition. Last evaluated: 2019-06-17. Review status: no assertion criteria provided. Collection method: clinical testing. Allele origin: germline. Not counted in ClinVar's aggregate classification.
Comment: This variant is classified as likely benign based on ACMG/AMP sequence variant interpretation guidelines (Richards et al. 2015 PMID: 25741868, with internal and published modifications).

NM_001123385.2(BCOR):c.1707C>T (p.Ser569=)

Gene: BCOR (BCL6 corepressor; minus strand). Cytogenetic location: Xp11.4.
Variant type: single nucleotide variant.
Coding change: c.1707C>T on transcript NM_001123385.2 (MANE Select); coding-DNA position 1707, C replaced by T.
Protein change: p.Ser569=; no amino-acid change (serine 569 retained).
Molecular consequence: synonymous variant.
Genome position (GRCh38, 1-based): chrX:40,073,639, G>A on the plus strand (C>T on the coding strand, the complement: BCOR is on the minus strand). VCF-style: chrX-40073639-G-A. GRCh37 (hg19) VCF-style: chrX-39932892-G-A.
Other names: c.1707C>T, p.Ser569= (NM_001123383.2, NM_001123384.2, NM_017745.6).
Identifiers: ClinVar variation 1592127 (VCV001592127.10), dbSNP rs1438078198, ClinGen allele CA516345975.
Genomic context (GRCh38, chrX:40,073,639, plus strand): 5'-TTCTACAGAGCTCCTGCTGGTTTTGGTGCCATCTGCATTGGCATTGGGGGCGGGTGATGC[G>A]GAGGCTGGGCGGCCTGCACTCGACACTGACCCTGAAACGTTAGTGATGACAGCATCGGTG-3'
Protein context (NP_001116857.1, residues 559-579): GSVSSAGRPA[Ser569=]ASPAPNANAD